The following is an entry in ClinVar:

NM_000891.3(KCNJ2):c.1127A>G (p.Tyr376Cys)

Gene: KCNJ2 (potassium inwardly rectifying channel subfamily J member 2; plus strand). Cytogenetic location: 17q24.3.
Variant type: single nucleotide variant.
Coding change: c.1127A>G on transcript NM_000891.3 (MANE Select); coding-DNA position 1127, A replaced by G.
Protein change: p.Tyr376Cys; replaces tyrosine 376 with cysteine.
Molecular consequence: missense variant.
Genome position (GRCh38, 1-based): chr17:70,176,166, A>G. VCF-style: chr17-70176166-A-G. GRCh37 (hg19) VCF-style: chr17-68172307-A-G.
Other names: short protein forms Y376C.
Identifiers: ClinVar variation 3762820 (VCV003762820.2).

ClinVar aggregate classification (germline): Uncertain significance (1 of 4 stars; one submission).

Conditions:
Andersen Tawil syndrome (LQT7). Also called: ANDERSEN CARDIODYSRHYTHMIC PERIODIC PARALYSIS; LONG QT SYNDROME 7; PERIODIC PARALYSIS, POTASSIUM-SENSITIVE CARDIODYSRHYTHMIC TYPE; Potassium-sensitive periodic paralysis, ventricular ectopy, and dysmorphic features; Andersen Syndrome. Identifiers: Orphanet 37553, MedGen C1563715, MONDO:0008222, OMIM 170390.
Short QT syndrome type 3. Identifiers: Orphanet 51083, MedGen C1865018, MONDO:0012314, OMIM 609622.

gnomAD v4.1: 2 of 1,614,068 alleles (0.00012%); highest among the groups gnomAD compares: Non-Finnish European, 0.000085%; no homozygotes.

Submission:

Labcorp Genetics (formerly Invitae), Labcorp
Classification: Uncertain significance for Short QT syndrome type 3; Andersen Tawil syndrome. Last evaluated: 2024-10-16. Review status: criteria provided, single submitter. Criteria: Invitae Variant Classification Sherloc (09022015). Collection method: clinical testing. Allele origin: germline.
Comment: This sequence change replaces tyrosine, which is neutral and polar, with cysteine, which is neutral and slightly polar, at codon 376 of the KCNJ2 protein (p.Tyr376Cys). This variant is present in population databases (no rsID available, gnomAD no frequency). This variant has not been reported in the literature in individuals affected with KCNJ2-related conditions. Invitae Evidence Modeling of protein sequence and biophysical properties (such as structural, functional, and spatial information, amino acid conservation, physicochemical variation, residue mobility, and thermodynamic stability) indicates that this missense variant is expected to disrupt KCNJ2 protein function with a positive predictive value of 95%. In summary, the available evidence is currently insufficient to determine the role of this variant in disease. Therefore, it has been classified as a Variant of Uncertain Significance.